The following is an entry in ClinVar:

NM_001199172.2(MGAT5B):c.69-46C>T

Gene: MGAT5B (alpha-1,6-mannosylglycoprotein 6-beta-N-acetylglucosaminyltransferase B; plus strand). Cytogenetic location: 17q25.2.
Variant type: single nucleotide variant.
Coding change: c.69-46C>T on transcript NM_001199172.2 (MANE Select); 46 bases into the intron before coding-DNA position 69, C replaced by T.
Molecular consequence: intron variant. On other transcripts: missense variant (1).
Genome position (GRCh38, 1-based): chr17:76,872,805, C>T. VCF-style: chr17-76872805-C-T. GRCh37 (hg19) VCF-style: chr17-74868887-C-T.
Other names: c.56C>T, p.Thr19Met (NM_198955.1); c.69-46C>T (NM_144677.3); short protein forms T19M.
Identifiers: ClinVar variation 2648321 (VCV002648321.24), dbSNP rs191831149, ClinGen allele CA8791138.
Genomic context (GRCh38, chr17:76,872,805, plus strand): 5'-CACTCATGCACTCATTCGTAAAACATTTGTGCAGCCGGTACGTGGTGGAGCGTCAGGGCA[C>T]GATGGCCCTTCCTGCCCTCCTGACCCGCCTCCTTCCTCTCCGCAGGCTTTTTGTCCTGGG-3'

ClinVar aggregate classification (germline): Likely benign (1 of 4 stars; one submission).

Allele frequency attached by ClinVar (database versions not stated): 1000 Genomes Project 0.00160; 1000 Genomes Project 30x 0.00172; gnomAD 0.00423; TOPMed 0.00433; ExAC 0.00457; gnomAD exomes 0.00520; ESP Exome Variant Server 0.00592.
gnomAD v4.1: 8,309 of 1,614,078 alleles (0.51%); highest among the groups gnomAD compares: Middle Eastern, 0.96%; 38 homozygotes.

Submission:

CeGaT Center for Human Genetics Tuebingen
Classification: Likely benign. Last evaluated: 2023-04-01. Review status: criteria provided, single submitter. Criteria: CeGaT Center For Human Genetics Tuebingen Variant Classification Criteria Version 2. Collection method: clinical testing. Allele origin: germline. Affected: yes. Observed: 1 variant allele.
Comment: MGAT5B: BP4, BS2